The following is an entry in ClinVar:

NM_006206.6(PDGFRA):c.3214A>T (p.Met1072Leu)

Gene: PDGFRA (platelet derived growth factor receptor alpha; plus strand). Cytogenetic location: 4q12.
Variant type: single nucleotide variant.
Coding change: c.3214A>T on transcript NM_006206.6 (MANE Select); coding-DNA position 3214, A replaced by T.
Protein change: p.Met1072Leu; replaces methionine 1072 with leucine.
Molecular consequence: missense variant.
Genome position (GRCh38, 1-based): chr4:54,295,216, A>T. VCF-style: chr4-54295216-A-T. GRCh37 (hg19) VCF-style: chr4-55161383-A-T.
Other names: c.3289A>T, p.Met1097Leu (NM_001347828.2); c.3214A>T, p.Met1072Leu (NM_001347829.2); c.3253A>T, p.Met1085Leu (NM_001347830.2); c.3214A>T (NM_006206.4); short protein forms M1072L, M1097L, M1085L.
Identifiers: ClinVar variation 1481121 (VCV001481121.7), dbSNP rs1724824777, ClinGen allele CA356896643.

ClinVar aggregate classification (germline): Uncertain significance. Review status: criteria provided, multiple submitters, no conflicts (2 of 4 stars). 2 submissions from 2 submitters: Uncertain significance (2). Last evaluated 2026-07-07.

Conditions:
Gastrointestinal stromal tumor. Also called: Gastrointestinal stromal tumor, somatic; Gastrointestinal stroma tumor. Identifiers: Orphanet 44890, MedGen C0238198, MeSH D046152, MONDO:0011719, OMIM 606764, HP:0100723.
Hereditary cancer-predisposing syndrome. Also called: Hereditary Cancer Syndrome; Tumor predisposition; Neoplastic Syndromes, Hereditary; Hereditary neoplastic syndrome. Identifiers: Orphanet 140162, MedGen C0027672, MeSH D009386, MONDO:0015356.

Submissions (2):

Ambry Genetics
Classification: Uncertain significance for Hereditary cancer-predisposing syndrome. Last evaluated: 2026-07-07. Review status: criteria provided, single submitter. Criteria: Ambry Variant Classification Scheme 2023. Collection method: clinical testing. Allele origin: germline.
Comment: The p.M1072L variant (also known as c.3214A>T), located in coding exon 22 of the PDGFRA gene, results from an A to T substitution at nucleotide position 3214. The methionine at codon 1072 is replaced by leucine, an amino acid with highly similar properties. This amino acid position is conserved. In addition, this alteration is predicted to be tolerated by in silico analysis. Based on the available evidence, the clinical significance of this variant remains unclear.

Labcorp Genetics (formerly Invitae), Labcorp
Classification: Uncertain significance for Gastrointestinal stromal tumor. Last evaluated: 2022-12-23. Review status: criteria provided, single submitter. Criteria: Invitae Variant Classification Sherloc (09022015). Collection method: clinical testing. Allele origin: germline.
Comment: This variant is not present in population databases (gnomAD no frequency). This variant has not been reported in the literature in individuals affected with PDGFRA-related conditions. ClinVar contains an entry for this variant (Variation ID: 1481121). Algorithms developed to predict the effect of missense changes on protein structure and function output the following: SIFT: "Tolerated"; PolyPhen-2: "Benign"; Align-GVGD: "Class C0". The leucine amino acid residue is found in multiple mammalian species, which suggests that this missense change does not adversely affect protein function. In summary, the available evidence is currently insufficient to determine the role of this variant in disease. Therefore, it has been classified as a Variant of Uncertain Significance. This sequence change replaces methionine, which is neutral and non-polar, with leucine, which is neutral and non-polar, at codon 1072 of the PDGFRA protein (p.Met1072Leu).